The following is an entry in ClinVar:

NM_000038.6(APC):c.4199C>A (p.Ser1400Ter)

Gene: APC (APC regulator of Wnt signaling pathway; plus strand). Cytogenetic location: 5q22.2.
Variant type: single nucleotide variant.
Coding change: c.4199C>A on transcript NM_000038.6 (MANE Select); coding-DNA position 4199, C replaced by A.
Protein change: p.Ser1400Ter; replaces serine 1400 with a stop codon.
Molecular consequence: nonsense.
Genome position (GRCh38, 1-based): chr5:112,839,793, C>A. VCF-style: chr5-112839793-C-A. GRCh37 (hg19) VCF-style: chr5-112175490-C-A.
Other names: c.3350C>A, p.Ser1117Ter (NM_001407470.1, NM_001354906.2); c.3047C>A, p.Ser1016Ter (NM_001407471.1, NM_001407472.1); c.4199C>A, p.Ser1400Ter (NM_001127510.3, NM_001354895.2, NM_001407450.1); c.4145C>A, p.Ser1382Ter (NM_001127511.3); c.4253C>A, p.Ser1418Ter (NM_001354896.2, NM_001407447.1, NM_001407448.1 and 1 more transcripts); c.4229C>A, p.Ser1410Ter (NM_001354897.2); c.4124C>A, p.Ser1375Ter (NM_001354898.2); c.4115C>A, p.Ser1372Ter (NM_001354899.2); and 11 more; short protein forms S1299*, S1375*, S1410*, S1117*, S1309*, S1317*, S1390*, S1240*.
Identifiers: ClinVar variation 2136317 (VCV002136317.6), dbSNP rs267600319, ClinGen allele CA16030535.

ClinVar aggregate classification (germline): Pathogenic. Review status: criteria provided, multiple submitters, no conflicts (2 of 4 stars). 2 submissions from 2 submitters: Pathogenic (2). Last evaluated 2023-05-10.

Conditions:
Familial adenomatous polyposis 1 (FAP1). Also called: POLYPOSIS, ADENOMATOUS INTESTINAL; FAMILIAL ADENOMATOUS POLYPOSIS 1, ATTENUATED. Identifiers: MedGen C2713442, MONDO:0021056, OMIM 175100. Disease mechanism: loss of function.

Submissions (2):

Myriad Genetics, Inc.
Classification: Pathogenic for Familial adenomatous polyposis 1. Last evaluated: 2023-05-10. Review status: criteria provided, single submitter. Criteria: Myriad Autosomal Dominant, Autosomal Recessive and X-Linked Classification Criteria (2023). Collection method: clinical testing. Allele origin: unknown.
Comment: This variant is considered pathogenic. This variant creates a termination codon and is predicted to result in premature protein truncation.

Labcorp Genetics (formerly Invitae), Labcorp
Classification: Pathogenic for Familial adenomatous polyposis 1. Last evaluated: 2022-03-27. Review status: criteria provided, single submitter. Criteria: Invitae Variant Classification Sherloc (09022015). Collection method: clinical testing. Allele origin: germline.
Comment: A different truncation (p.Tyr2645Lysfs*14) that lies downstream of this variant has been determined to be pathogenic (PMID: 9824584, 1316610, 27081525, 8381579, 22135120, Invitae). This suggests that deletion of this region of the APC protein is causative of disease. For these reasons, this variant has been classified as Pathogenic. This variant is expected to disrupt the EB1 and HDLG binding sites, which mediate interactions with the cytoskeleton (PMID: 15311282, 17293347). While functional studies have not been performed to directly test the effect on APC protein function, this suggests that disruption of the C-terminal portion of the protein is functionally important. This premature translational stop signal has been observed in individual(s) with familial adenomatous polyposis (PMID: 10077047). This variant is not present in population databases (gnomAD no frequency). This sequence change creates a premature translational stop signal (p.Ser1400*) in the APC gene. While this is not anticipated to result in nonsense mediated decay, it is expected to disrupt the last 1444 amino acid(s) of the APC protein.

Literature cited by the submitters: PubMed 9824584 (cited by Labcorp Genetics (formerly Invitae), Labcorp); PubMed 1316610 (cited by Labcorp Genetics (formerly Invitae), Labcorp); PubMed 27081525 (cited by Labcorp Genetics (formerly Invitae), Labcorp); PubMed 8381579 (cited by Labcorp Genetics (formerly Invitae), Labcorp); PubMed 22135120 (cited by Labcorp Genetics (formerly Invitae), Labcorp); PubMed 15311282 (cited by Labcorp Genetics (formerly Invitae), Labcorp); PubMed 17293347 (cited by Labcorp Genetics (formerly Invitae), Labcorp); PubMed 10077047 (cited by Labcorp Genetics (formerly Invitae), Labcorp).